The following is an entry in ClinVar:

ClinVar aggregate classification (germline): Benign. Review status: criteria provided, multiple submitters, no conflicts (2 of 4 stars). 2 submissions from 2 submitters: Benign (2). Last evaluated 2018-06-18.

Allele frequency attached by ClinVar (database versions not stated): 1000 Genomes Project 0.04952; 1000 Genomes Project 30x 0.05028; TOPMed 0.08359; gnomAD 0.08431 and 0.08519; gnomAD exomes 0.11071.
gnomAD v4.1: 105,007 of 981,734 alleles (11%); highest among the groups gnomAD compares: Middle Eastern, 20%; 6,507 homozygotes.

Submissions (2):

GeneDx
Classification: Benign. Last evaluated: 2018-06-18. Review status: criteria provided, single submitter. Criteria: GeneDx Variant Classification (06012015). Collection method: clinical testing. Allele origin: germline. Affected: yes.
Comment: This variant is considered likely benign or benign based on one or more of the following criteria: it is a conservative change, it occurs at a poorly conserved position in the protein, it is predicted to be benign by multiple in silico algorithms, and/or has population frequency not consistent with disease.

Breakthrough Genomics
Classification: Benign. Review status: criteria provided, single submitter. Criteria: ACMG Guidelines, 2015. Collection method: not provided. Allele origin: germline. Inheritance: Autosomal recessive inheritance. Affected: yes.

NM_018127.7(ELAC2):c.559+136G>A

Gene: ELAC2 (elaC ribonuclease Z 2; minus strand). Cytogenetic location: 17p12.
Variant type: single nucleotide variant.
Coding change: c.559+136G>A on transcript NM_018127.7 (MANE Select); 136 bases into the intron after coding-DNA position 559, G replaced by A.
Molecular consequence: intron variant.
Genome position (GRCh38, 1-based): chr17:13,013,071, C>T on the plus strand (G>A on the coding strand, the complement: ELAC2 is on the minus strand). VCF-style: chr17-13013071-C-T. GRCh37 (hg19) VCF-style: chr17-12916388-C-T.
Other names: c.559+136G>A (NM_001165962.2, NM_173717.2).
Identifiers: ClinVar variation 676210 (VCV000676210.2), dbSNP rs74886662, ClinGen allele CA14473301.
Genomic context (GRCh38, chr17:13,013,071, plus strand): 5'-TTAGGCATAAGTCAGACATCCGTAAGTTTATAAGCCAGGGCAGGAGCCATATCTTCATTC[C>T]TCAACTAAATTTTCTAATCATGCTCAGAACACAAAACAGGGTGCCCACAGCAAGTGTTCA-3'